The following is an entry in ClinVar:

ClinVar aggregate classification (germline): Conflicting classifications of pathogenicity. Review status: criteria provided, conflicting classifications (1 of 4 stars). 2 submissions from 2 submitters: Uncertain significance (1); Likely benign (1). Last evaluated 2025-12-28.

Conditions:
Cornelia de Lange syndrome 3 (CDLS3). Also called: SMC3-Related Cornelia de Lange Syndrome; CORNELIA DE LANGE SYNDROME 3 WITH OR WITHOUT MIDLINE BRAIN DEFECTS. Identifiers: Orphanet 199, MedGen C1853099, MONDO:0012555, OMIM 610759.

gnomAD v4.1: 3 of 1,612,232 alleles (0.00019%); highest among the groups gnomAD compares: East Asian, 0.0022%; no homozygotes.

Submissions (2):

Labcorp Genetics (formerly Invitae), Labcorp
Classification: Uncertain significance for Cornelia de Lange syndrome 3. Last evaluated: 2025-12-28. Review status: criteria provided, single submitter. Criteria: Invitae Variant Classification Sherloc (09022015). Collection method: clinical testing. Allele origin: germline.
Comment: This sequence change falls in intron 24 of the SMC3 gene. It does not directly change the encoded amino acid sequence of the SMC3 protein. It affects a nucleotide within the consensus splice site. This variant is present in population databases (no rsID available, gnomAD 0.005%). This variant has not been reported in the literature in individuals affected with SMC3-related conditions. Variants that disrupt the consensus splice site are a relatively common cause of aberrant splicing (PMID: 17576681, 9536098). Algorithms developed to predict the effect of sequence changes on RNA splicing suggest that this variant is not likely to affect RNA splicing. In summary, the available evidence is currently insufficient to determine the role of this variant in disease. Therefore, it has been classified as a Variant of Uncertain Significance.

Blueprint Genetics
Classification: Likely benign. Last evaluated: 2019-09-04. Review status: criteria provided, single submitter. Criteria: ACMG Guidelines, 2015. Collection method: clinical testing. Allele origin: germline.

Literature cited by the submitters: PubMed 17576681 (cited by Labcorp Genetics (formerly Invitae), Labcorp); PubMed 9536098 (cited by Labcorp Genetics (formerly Invitae), Labcorp).

NM_005445.4(SMC3):c.2893-3T>C

Gene: SMC3 (structural maintenance of chromosomes 3; plus strand). Cytogenetic location: 10q25.2.
Variant type: single nucleotide variant.
Coding change: c.2893-3T>C on transcript NM_005445.4 (MANE Select); 3 bases into the intron before coding-DNA position 2893, T replaced by C.
Molecular consequence: intron variant.
Genome position (GRCh38, 1-based): chr10:110,601,963, T>C. VCF-style: chr10-110601963-T-C. GRCh37 (hg19) VCF-style: chr10-112361721-T-C.
Identifiers: ClinVar variation 4706589 (VCV004706589.2).
Genomic context (GRCh38, chr10:110,601,963, plus strand): 5'-GTCTTGTTACAAATTGCTCAGTATATAAATTTATTTATATGAATACATATTTTCTCTTTA[T>C]AGTTGTTTCGAAAACTTGAGCAGTGCAACACAGAATTAAAGAAGTACAGCCATGTTAACA-3'